The following is an entry in ClinVar:

ClinVar aggregate classification (germline): Uncertain significance (1 of 4 stars; one submission).

Conditions:
Epidermolysis bullosa simplex 3, localized or generalized intermediate, with BP230 deficiency (EBS3). Also called: Epidermolysis bullosa simplex, autosomal recessive 2; Epidermolysis bullosa simplex due to BP230 deficiency. Identifiers: Orphanet 412181, MedGen C3809470, MONDO:0014180, OMIM 615425.
Hereditary sensory and autonomic neuropathy type 6. Also called: Neuropathy, hereditary sensory and autonomic, type VI; HSAN VI. Identifiers: Orphanet 314381, MedGen C3539003, MONDO:0013839, OMIM 614653.

Allele frequency attached by ClinVar (database versions not stated): gnomAD exomes below 0.00001.
gnomAD v4.1: 2 of 1,501,050 alleles (0.00013%); highest among the groups gnomAD compares: Non-Finnish European, 0.000089%; no homozygotes.

Submission:

Labcorp Genetics (formerly Invitae), Labcorp
Classification: Uncertain significance for Epidermolysis bullosa simplex 3, localized or generalized intermediate, with BP230 deficiency; Hereditary sensory and autonomic neuropathy type 6. Last evaluated: 2022-04-03. Review status: criteria provided, single submitter. Criteria: Invitae Variant Classification Sherloc (09022015). Collection method: clinical testing. Allele origin: germline.
Comment: This sequence change replaces glutamine, which is neutral and polar, with proline, which is neutral and non-polar, at codon 3237 of the DST protein (p.Gln3237Pro). This variant is not present in population databases (gnomAD no frequency). This variant has not been reported in the literature in individuals affected with DST-related conditions. Experimental studies and prediction algorithms are not available or were not evaluated, and the functional significance of this variant is currently unknown. In summary, the available evidence is currently insufficient to determine the role of this variant in disease. Therefore, it has been classified as a Variant of Uncertain Significance. The DST gene has multiple clinically relevant transcripts. This variant occurs in alternate transcript NM_015548.4, and corresponds to NM_001723.5:c.*86053A>C in the primary transcript.

NM_001374736.1(DST):c.17579A>C (p.Gln5860Pro)

Gene: DST (dystonin; minus strand). Cytogenetic location: 6p12.1.
Variant type: single nucleotide variant.
Coding change: c.17579A>C on transcript NM_001374736.1 (MANE Select); coding-DNA position 17579, A replaced by C.
Protein change: p.Gln5860Pro; replaces glutamine 5860 with proline.
Molecular consequence: missense variant. On other transcripts: intron variant (2).
Genome position (GRCh38, 1-based): chr6:56,529,464, T>G on the plus strand (A>C on the coding strand, the complement: DST is on the minus strand). VCF-style: chr6-56529464-T-G. GRCh37 (hg19) VCF-style: chr6-56394262-T-G.
Other names: c.11222A>C, p.Gln3741Pro (NM_001144769.5); c.10808A>C, p.Gln3603Pro (NM_001144770.2); c.17579A>C, p.Gln5860Pro (NM_001374722.1); c.17606A>C, p.Gln5869Pro (NM_001374734.1); c.10688A>C, p.Gln3563Pro (NM_001386100.1, NM_183380.4); c.9710A>C, p.Gln3237Pro (NM_015548.5); c.10377+510A>C (NM_001374730.1); c.16635+510A>C (NM_001374729.1); short protein forms Q3603P, Q3741P, Q5869P, Q3563P, Q5860P, Q3237P.
Identifiers: ClinVar variation 2121042 (VCV002121042.4), dbSNP rs2534828921, ClinGen allele CA364507691.
Genomic context (GRCh38, chr6:56,529,464, plus strand): 5'-AATTGAAATGAAAAAATAAGATAAAATAAAATAAATCAAAATACCCGAAGTTCAGACTGC[T>G]GCTTCCATAGCCCCTCAGTGCTGTAATCCTGGACTGAGAGCTTGCTCAGTTTGTCATGCA-3'
Protein context (NP_001361665.1, residues 5850-5870): QDYSTEGLWK[Gln5860Pro]QSELRVLQED